The following is an entry in ClinVar:

NM_001267550.2(TTN):c.76278G>A (p.Trp25426Ter)

Genes: TTN (titin; minus strand), TTN-AS1 (TTN antisense RNA 1; plus strand). Cytogenetic location: 2q31.2.
Variant type: single nucleotide variant.
Coding change: c.76278G>A on transcript NM_001267550.2 (MANE Select); coding-DNA position 76278, G replaced by A.
Protein change: p.Trp25426Ter; replaces tryptophan 25426 with a stop codon.
Molecular consequence: nonsense.
Genome position (GRCh38, 1-based): chr2:178,569,854, C>T on the plus strand (G>A on the coding strand, the complement: TTN is on the minus strand). VCF-style: chr2-178569854-C-T. GRCh37 (hg19) VCF-style: chr2-179434581-C-T.
Other names: c.71355G>A, p.Trp23785Ter (NM_001256850.1); c.49083G>A, p.Trp16361Ter (NM_003319.4); c.68574G>A, p.Trp22858Ter (NM_133378.4); c.49458G>A, p.Trp16486Ter (NM_133432.3); c.49659G>A, p.Trp16553Ter (NM_133437.4); short protein forms W23785*, W25426*, W16361*, W16486*, W22858*, W16553*.
Identifiers: ClinVar variation 419714 (VCV000419714.5), dbSNP rs1064794060, ClinGen allele CA16617351.

ClinVar aggregate classification (germline): Pathogenic/Likely pathogenic. Review status: criteria provided, multiple submitters, no conflicts (2 of 4 stars). 2 submissions from 2 submitters: Pathogenic (1); Likely pathogenic (1). Last evaluated 2023-08-16.

Conditions:
Dilated cardiomyopathy 1G (CMD1G). Identifiers: Orphanet 154, MedGen C1858763, MONDO:0011400, OMIM 604145.
Autosomal recessive limb-girdle muscular dystrophy type 2J (LGMDR10). Also called: Limb-girdle muscular dystrophy, type 2J; MUSCULAR DYSTROPHY, LIMB-GIRDLE, AUTOSOMAL RECESSIVE 10. Identifiers: Orphanet 140922, MedGen C1837342, MONDO:0012127, OMIM 608807.

Allele frequency attached by ClinVar (database versions not stated): gnomAD exomes below 0.00001.
gnomAD v4.1: 2 of 1,613,356 alleles (0.00012%); highest among the groups gnomAD compares: Non-Finnish European, 0.00017%; no homozygotes.

Submissions (2):

Labcorp Genetics (formerly Invitae), Labcorp
Classification: Likely pathogenic for Dilated cardiomyopathy 1G; Autosomal recessive limb-girdle muscular dystrophy type 2J. Last evaluated: 2023-08-16. Review status: criteria provided, single submitter. Criteria: Invitae Variant Classification Sherloc (09022015). Collection method: clinical testing. Allele origin: germline.
Comment: This sequence change creates a premature translational stop signal (p.Trp25426*) in the TTN gene. While this is not anticipated to result in nonsense mediated decay, it is expected to disrupt the last 10566 amino acid(s) of the TTN protein. This variant is not present in population databases (gnomAD no frequency). This premature translational stop signal has been observed in individual(s) with dilated cardiomyopathy (PMID: 31112426, 31983221). ClinVar contains an entry for this variant (Variation ID: 419714). This variant is located in the A band of TTN (PMID: 25589632). Truncating variants in this region are significantly overrepresented in patients affected with dilated cardiomyopathy (PMID: 25589632). Truncating variants in this region have also been reported in individuals affected with autosomal recessive centronuclear myopathy (PMID: 23975875). In summary, the currently available evidence indicates that the variant is pathogenic, but additional data are needed to prove that conclusively. Therefore, this variant has been classified as Likely Pathogenic.

GeneDx
Classification: Pathogenic. Last evaluated: 2015-08-24. Review status: criteria provided, single submitter. Criteria: GeneDx Variant Classification (06012015). Collection method: clinical testing. Allele origin: germline. Affected: yes.
Comment: The W23785X variant in the TTN gene has not been reported previously as a pathogenic variant or as a benign polymorphism, to our knowledge. W23785X is predicted to cause loss of normal protein function either due to production of an abnormal, prematurely truncated protein, or by absence of protein product due to nonsense mediated mRNA decay. Other truncating TTN variants have been reported in approximately 3% of control alleles (Herman et al., 2012). However, W23785X is located in the A-band region of titin, where the majority of truncating variants associated with DCM have been reported (Herman et al., 2012). Furthermore, W23785X was not observed in approximately 6,000 individuals of European and African American ancestry in the NHLBI Exome Sequencing Project, indicating it is not a common benign variant in these populations. In summary, W23785X in the TTN gene is interpreted as a pathogenic variant.

Literature cited by the submitters: PubMed 31112426 (cited by Labcorp Genetics (formerly Invitae), Labcorp); PubMed 31983221 (cited by Labcorp Genetics (formerly Invitae), Labcorp); PubMed 25589632 (cited by Labcorp Genetics (formerly Invitae), Labcorp); PubMed 23975875 (cited by Labcorp Genetics (formerly Invitae), Labcorp).